The following is an entry in ClinVar:

NM_005121.3(MED13):c.3509C>G (p.Ser1170Cys)

Gene: MED13 (mediator complex subunit 13; minus strand). Cytogenetic location: 17q23.2.
Variant type: single nucleotide variant.
Coding change: c.3509C>G on transcript NM_005121.3 (MANE Select); coding-DNA position 3509, C replaced by G.
Protein change: p.Ser1170Cys; replaces serine 1170 with cysteine.
Molecular consequence: missense variant.
Genome position (GRCh38, 1-based): chr17:61,982,494, G>C on the plus strand (C>G on the coding strand, the complement: MED13 is on the minus strand). VCF-style: chr17-61982494-G-C. GRCh37 (hg19) VCF-style: chr17-60059855-G-C.
Other names: short protein forms S1170C.
Identifiers: ClinVar variation 3362317 (VCV003362317.3).

ClinVar aggregate classification (germline): Uncertain significance (1 of 4 stars; one submission).

Conditions:
Intellectual developmental disorder 61. Also called: INTELLECTUAL DEVELOPMENTAL DISORDER, AUTOSOMAL DOMINANT 61; MENTAL RETARDATION, AUTOSOMAL DOMINANT 61. Identifiers: MedGen C5231400, MONDO:0032485, OMIM 618009.

Submission:

Neuberg Centre For Genomic Medicine, NCGM
Classification: Uncertain significance for Intellectual developmental disorder 61. Last evaluated: 2023-06-02. Review status: criteria provided, single submitter. Criteria: ACMG Guidelines, 2015. Collection method: clinical testing. Allele origin: germline. Inheritance: Autosomal dominant inheritance. Affected: yes.
Comment: The missense variant c.3509C>G (p.Ser1170Cys) in the MED13 gene has not been reported previously as a pathogenic variant nor as a benign variant, to our knowledge. This variant is absent in the gnomAD Exomes. The amino acid Ser at position 1170 is changed to a Cys changing protein sequence and it might alter its composition and physico-chemical properties. Computational evidence (Polyphen, SIFT and MutationTaster) predicts conflicting evidence on protein structure and function for this variant. The amino acid change p.Ser1170Cys in MED13 is predicted as conserved by GERP++ and PhyloP across 100 vertebrates. For these reasons, this variant has been classified as Uncertain Significance.